The following is an entry in ClinVar:

NM_003072.5(SMARCA4):c.3953G>A (p.Arg1318His)

Gene: SMARCA4 (SWI/SNF related BAF chromatin remodeling complex subunit ATPase 4; plus strand). Cytogenetic location: 19p13.2.
Variant type: single nucleotide variant.
Coding change: c.3953G>A on transcript NM_003072.5 (MANE Select); coding-DNA position 3953, G replaced by A.
Protein change: p.Arg1318His; replaces arginine 1318 with histidine.
Molecular consequence: missense variant. On other transcripts: non-coding transcript variant (1).
Genome position (GRCh38, 1-based): chr19:11,034,915, G>A. VCF-style: chr19-11034915-G-A. GRCh37 (hg19) VCF-style: chr19-11145591-G-A.
Other names: c.3953G>A, p.Arg1318His (NM_001128844.3, NM_001128849.3); c.3854G>A, p.Arg1285His (NM_001128845.2, NM_001128846.2, NM_001128847.4 and 2 more transcripts); short protein forms R1318H, R1285H.
Identifiers: ClinVar variation 862834 (VCV000862834.12), dbSNP rs2075174391, ClinGen allele CA404067982.
Genomic context (GRCh38, chr19:11,034,915, plus strand): 5'-CTAGCGTGCCCCTGGTGCCTGCATGCTGATGCCTCTCCCGTTGCCTCCCTGCCCACCAGC[G>A]CATGGACCTGGACCGCAGGCGCGAGGAGGCCCGCAACCCCAAGCGGAAGCCGCGCCTCAT-3'
Protein context (NP_003063.2, residues 1308-1328): RHEEEFDLFM[Arg1318His]MDLDRRREEA

ClinVar aggregate classification (germline): Uncertain significance. Review status: criteria provided, multiple submitters, no conflicts (2 of 4 stars). 3 submissions from 3 submitters: Uncertain significance (3). Last evaluated 2025-07-20.

Conditions:
Hereditary cancer-predisposing syndrome. Also called: Hereditary Cancer Syndrome; Tumor predisposition; Neoplastic Syndromes, Hereditary; Hereditary neoplastic syndrome. Identifiers: Orphanet 140162, MedGen C0027672, MeSH D009386, MONDO:0015356.
Rhabdoid tumor predisposition syndrome 2 (RTPS2). Identifiers: Orphanet 231108, Orphanet 69077, MedGen C2750074, MONDO:0013224, OMIM 613325.

Allele frequency attached by ClinVar (database versions not stated): gnomAD 0.00001.

Submissions (3):

Labcorp Genetics (formerly Invitae), Labcorp
Classification: Uncertain significance for Rhabdoid tumor predisposition syndrome 2. Last evaluated: 2025-07-20. Review status: criteria provided, single submitter. Criteria: Invitae Variant Classification Sherloc (09022015). Collection method: clinical testing. Allele origin: germline.
Comment: This sequence change replaces arginine, which is basic and polar, with histidine, which is basic and polar, at codon 1318 of the SMARCA4 protein (p.Arg1318His). This variant is not present in population databases (gnomAD no frequency). This variant has not been reported in the literature in individuals affected with SMARCA4-related conditions. ClinVar contains an entry for this variant (Variation ID: 862834). An algorithm developed to predict the effect of missense changes on protein structure and function (PolyPhen-2) suggests that this variant is likely to be disruptive. In summary, the available evidence is currently insufficient to determine the role of this variant in disease. Therefore, it has been classified as a Variant of Uncertain Significance.

Ambry Genetics
Classification: Uncertain significance for Hereditary cancer-predisposing syndrome. Last evaluated: 2024-12-19. Review status: criteria provided, single submitter. Criteria: Ambry Variant Classification Scheme 2023. Collection method: clinical testing. Allele origin: germline.
Comment: The p.R1318H variant (also known as c.3953G>A), located in coding exon 28 of the SMARCA4 gene, results from a G to A substitution at nucleotide position 3953. The arginine at codon 1318 is replaced by histidine, an amino acid with highly similar properties. This amino acid position is highly conserved in available vertebrate species. In addition, the in silico prediction for this alteration is inconclusive. Based on the supporting evidence, the association of this alteration with rhabdoid tumor predisposition syndrome is unknown; however, the association of this alteration with Coffin-Siris syndrome is unlikely.

Baylor Genetics
Classification: Uncertain significance for Rhabdoid tumor predisposition syndrome 2. Last evaluated: 2023-10-05. Review status: criteria provided, single submitter. Criteria: ACMG Guidelines, 2015. Collection method: clinical testing. Allele origin: unknown.